The following is an entry in ClinVar:

ClinVar aggregate classification (germline): Uncertain significance. Review status: criteria provided, multiple submitters, no conflicts (2 of 4 stars). 5 submissions from 5 submitters: Uncertain significance (5). Last evaluated 2026-01-05.

Conditions:
Inborn genetic diseases. Identifiers: MedGen C0950123, MeSH D030342.
Muscular dystrophy-dystroglycanopathy (congenital with brain and eye anomalies), type a, 11 (MDDGA11). Also called: WALKER-WARBURG SYNDROME OR MUSCLE-EYE-BRAIN DISEASE, B3GALNT2-RELATED; Muscular dystrophy-dystroglycanopathy (congenital with brain and eye anomalies, type A, 11; Congenital muscular dystrophy-dystroglycanopathy with brain and eye anomalies, type A11. Identifiers: Orphanet 588, Orphanet 899, MedGen C3554638, MONDO:0014071, OMIM 615181.

Allele frequency attached by ClinVar (database versions not stated): gnomAD exomes 0.00012 and 0.00015; ExAC 0.00017; ESP Exome Variant Server 0.00038; gnomAD 0.00074 and 0.00076; TOPMed 0.00151; 1000 Genomes Project 30x 0.00172; 1000 Genomes Project 0.00180.
gnomAD v4.1: 310 of 1,613,024 alleles (0.019%); highest among the groups gnomAD compares: Admixed American, 0.2%; 2 homozygotes.

Submissions (5):

Labcorp Genetics (formerly Invitae), Labcorp
Classification: Uncertain significance for Muscular dystrophy-dystroglycanopathy (congenital with brain and eye anomalies), type a, 11. Last evaluated: 2026-01-05. Review status: criteria provided, single submitter. Criteria: Invitae Variant Classification Sherloc (09022015). Collection method: clinical testing. Allele origin: germline.
Comment: This sequence change replaces arginine, which is basic and polar, with glutamine, which is neutral and polar, at codon 393 of the B3GALNT2 protein (p.Arg393Gln). This variant is present in population databases (rs140708018, gnomAD 0.07%). This variant has not been reported in the literature in individuals affected with B3GALNT2-related conditions. ClinVar contains an entry for this variant (Variation ID: 473880). Invitae Evidence Modeling of protein sequence and biophysical properties (such as structural, functional, and spatial information, amino acid conservation, physicochemical variation, residue mobility, and thermodynamic stability) indicates that this missense variant is not expected to disrupt B3GALNT2 protein function with a negative predictive value of 80%. In summary, the available evidence is currently insufficient to determine the role of this variant in disease. Therefore, it has been classified as a Variant of Uncertain Significance.

Ambry Genetics
Classification: Uncertain significance for Inborn genetic diseases. Last evaluated: 2025-07-31. Review status: criteria provided, single submitter. Criteria: Ambry Variant Classification Scheme 2023. Collection method: clinical testing. Allele origin: germline.

GeneDx
Classification: Uncertain significance. Last evaluated: 2021-07-01. Review status: criteria provided, single submitter. Criteria: GeneDx Variant Classification Process June 2021. Collection method: clinical testing. Allele origin: germline. Affected: yes.
Comment: In silico analysis supports that this missense variant has a deleterious effect on protein structure/function; Has not been previously published as pathogenic or benign to our knowledge

Revvity Omics, Revvity
Classification: Uncertain significance for Muscular dystrophy-dystroglycanopathy (congenital with brain and eye anomalies), type a, 11. Last evaluated: 2019-12-16. Review status: criteria provided, single submitter. Criteria: ACMG Guidelines, 2015. Collection method: clinical testing. Allele origin: germline.

Eurofins Ntd Llc (ga)
Classification: Uncertain significance. Last evaluated: 2017-09-22. Review status: criteria provided, single submitter. Criteria: EGL Classification Definitions 2015. Collection method: clinical testing. Allele origin: germline. Observed: 1 variant allele, 1 heterozygote.

NM_152490.5(B3GALNT2):c.1178G>A (p.Arg393Gln)

Gene: B3GALNT2 (beta-1,3-N-acetylgalactosaminyltransferase 2; minus strand). Cytogenetic location: 1q42.3.
Variant type: single nucleotide variant.
Coding change: c.1178G>A on transcript NM_152490.5 (MANE Select); coding-DNA position 1178, G replaced by A.
Protein change: p.Arg393Gln; replaces arginine 393 with glutamine.
Molecular consequence: missense variant.
Genome position (GRCh38, 1-based): chr1:235,454,289, C>T on the plus strand (G>A on the coding strand, the complement: B3GALNT2 is on the minus strand). VCF-style: chr1-235454289-C-T. GRCh37 (hg19) VCF-style: chr1-235617601-C-T.
Other names: short protein forms R393Q.
Identifiers: ClinVar variation 473880 (VCV000473880.15), dbSNP rs140708018, ClinGen allele CA1464661.
Genomic context (GRCh38, chr1:235,454,289, plus strand): 5'-CCACATGCAAAGGCAGGGTAAGCGGGGCTCGGGTACTCCAACTCCTGCCACTTTCCGGTT[C>T]GGTCAACTGCCCAATTCAGTCTGAAACTGAGATGAAAAATAATGTGGCCTCTTGTGTTAG-3'
Protein context (NP_689703.1, residues 383-403): GNFRLNWAVD[Arg393Gln]TGKWQELEYP